The following is an entry in ClinVar:

NM_000051.4(ATM):c.3972T>G (p.Ser1324Arg)

Gene: ATM (ATM serine/threonine kinase; plus strand). Cytogenetic location: 11q22.3.
Variant type: single nucleotide variant.
Coding change: c.3972T>G on transcript NM_000051.4 (MANE Select); coding-DNA position 3972, T replaced by G.
Protein change: p.Ser1324Arg; replaces serine 1324 with arginine.
Molecular consequence: missense variant.
Genome position (GRCh38, 1-based): chr11:108,284,452, T>G. VCF-style: chr11-108284452-T-G. GRCh37 (hg19) VCF-style: chr11-108155179-T-G.
Other names: c.3972T>G, p.Ser1324Arg (NM_001351834.2); short protein forms S1324R.
Identifiers: ClinVar variation 3802079 (VCV003802079.1).

ClinVar aggregate classification (germline): Uncertain significance (1 of 4 stars; one submission).

Conditions:
Hereditary cancer-predisposing syndrome. Also called: Neoplastic Syndromes, Hereditary; Hereditary Cancer Syndrome; Tumor predisposition; Hereditary neoplastic syndrome. Identifiers: Orphanet 140162, MedGen C0027672, MeSH D009386, MONDO:0015356.

Submission:

Ambry Genetics
Classification: Uncertain significance for Hereditary cancer-predisposing syndrome. Last evaluated: 2025-01-20. Review status: criteria provided, single submitter. Criteria: Ambry Variant Classification Scheme 2023. Collection method: clinical testing. Allele origin: germline.
Comment: The p.S1324R variant (also known as c.3972T>G), located in coding exon 25 of the ATM gene, results from a T to G substitution at nucleotide position 3972. The serine at codon 1324 is replaced by arginine, an amino acid with dissimilar properties. This amino acid position is conserved. In addition, this alteration is predicted to be tolerated by in silico analysis. Based on the available evidence, the clinical significance of this variant remains unclear.